The following is an entry in ClinVar:

NM_022835.3(PLEKHG2):c.2066T>A (p.Leu689His)

Gene: PLEKHG2 (pleckstrin homology and RhoGEF domain containing G2; plus strand). Cytogenetic location: 19q13.2.
Variant type: single nucleotide variant.
Coding change: c.2066T>A on transcript NM_022835.3 (MANE Select); coding-DNA position 2066, T replaced by A.
Protein change: p.Leu689His; replaces leucine 689 with histidine.
Molecular consequence: missense variant. On other transcripts: intron variant (1).
Genome position (GRCh38, 1-based): chr19:39,423,120, T>A. VCF-style: chr19-39423120-T-A. GRCh37 (hg19) VCF-style: chr19-39913760-T-A.
Other names: c.1889T>A, p.Leu630His (NM_001351693.2); c.1677+832T>A (NM_001351694.2); short protein forms L630H, L689H.
Identifiers: ClinVar variation 1515009 (VCV001515009.4), dbSNP rs1192879169, ClinGen allele CA405796939.

ClinVar aggregate classification (germline): Uncertain significance (1 of 4 stars; one submission).

Allele frequency attached by ClinVar (database versions not stated): gnomAD 0.00001; gnomAD exomes 0.00001 and 0.00002.

Submission:

Labcorp Genetics (formerly Invitae), Labcorp
Classification: Uncertain significance. Last evaluated: 2022-07-05. Review status: criteria provided, single submitter. Criteria: Invitae Variant Classification Sherloc (09022015). Collection method: clinical testing. Allele origin: germline.
Comment: This variant has not been reported in the literature in individuals affected with PLEKHG2-related conditions. This variant is present in population databases (no rsID available, gnomAD 0.02%). This sequence change replaces leucine, which is neutral and non-polar, with histidine, which is basic and polar, at codon 689 of the PLEKHG2 protein (p.Leu689His). ClinVar contains an entry for this variant (Variation ID: 1515009). In summary, the available evidence is currently insufficient to determine the role of this variant in disease. Therefore, it has been classified as a Variant of Uncertain Significance. Algorithms developed to predict the effect of missense changes on protein structure and function are either unavailable or do not agree on the potential impact of this missense change (SIFT: "Deleterious"; PolyPhen-2: "Possibly Damaging"; Align-GVGD: "Class C0").